The following is an entry in ClinVar:

NM_001429.4(EP300):c.3625C>T (p.Gln1209Ter)

Gene: EP300 (E1A binding protein p300; plus strand). Cytogenetic location: 22q13.2.
Variant type: single nucleotide variant.
Coding change: c.3625C>T on transcript NM_001429.4 (MANE Select); coding-DNA position 3625, C replaced by T.
Protein change: p.Gln1209Ter; replaces glutamine 1209 with a stop codon.
Molecular consequence: nonsense.
Genome position (GRCh38, 1-based): chr22:41,160,676, C>T. VCF-style: chr22-41160676-C-T. GRCh37 (hg19) VCF-style: chr22-41556680-C-T.
Other names: c.3547C>T, p.Gln1183Ter (NM_001362843.2); short protein forms Q1209*, Q1183*.
Identifiers: ClinVar variation 3845134 (VCV003845134.1).

ClinVar aggregate classification (germline): Pathogenic (1 of 4 stars; one submission).

Conditions:
Inborn genetic diseases. Identifiers: MedGen C0950123, MeSH D030342.

Submission:

Ambry Genetics
Classification: Pathogenic for Inborn genetic diseases. Last evaluated: 2025-01-27. Review status: criteria provided, single submitter. Criteria: Ambry Variant Classification Scheme 2023. Collection method: clinical testing. Allele origin: germline.
Comment: The c.3625C>T (p.Q1209*) alteration, located in exon 20 (coding exon 20) of the EP300 gene, consists of a C to T substitution at nucleotide position 3625. This changes the amino acid from a glutamine (Q) to a stop codon at amino acid position 1209. This alteration is expected to result in loss of function by premature protein truncation or nonsense-mediated mRNA decay. This variant was not reported in population-based cohorts in the Genome Aggregation Database (gnomAD). Based on the available evidence, this alteration is classified as pathogenic.